The following is an entry in ClinVar:

ClinVar aggregate classification (germline): Uncertain significance (1 of 4 stars; one submission).

Allele frequency attached by ClinVar (database versions not stated): gnomAD exomes below 0.00001.
gnomAD v4.1: 1 of 1,596,880 alleles (0.000063%); highest among the groups gnomAD compares: Non-Finnish European, 0.000086%; no homozygotes.

Submission:

GeneDx
Classification: Uncertain significance. Last evaluated: 2026-08-06. Review status: criteria provided, single submitter. Criteria: GeneDx Variant Classification Process June 2021. Collection method: clinical testing. Allele origin: germline.
Comment: Not observed at significant frequency in large population cohorts (gnomAD); In silico analysis suggests that this missense variant does not alter protein structure/function; Has not been previously published as pathogenic or benign to our knowledge

NM_020791.4(TAOK1):c.2992A>G (p.Met998Val)

Gene: TAOK1 (TAO kinase 1; plus strand). Cytogenetic location: 17q11.2.
Variant type: single nucleotide variant.
Coding change: c.2992A>G on transcript NM_020791.4 (MANE Select); coding-DNA position 2992, A replaced by G.
Protein change: p.Met998Val; replaces methionine 998 with valine.
Molecular consequence: missense variant.
Genome position (GRCh38, 1-based): chr17:29,543,008, A>G. VCF-style: chr17-29543008-A-G. GRCh37 (hg19) VCF-style: chr17-27870026-A-G.
Other names: c.2548A>G, p.Met850Val (NM_025142.1); short protein forms M850V, M998V.
Identifiers: ClinVar variation 2497907 (VCV002497907.2), dbSNP rs2508358080, ClinGen allele CA398921980.